The following is an entry in ClinVar:

ClinVar aggregate classification (germline): Uncertain significance (1 of 4 stars; one submission).

gnomAD v4.1: 2 of 1,612,502 alleles (0.00012%); highest among the groups gnomAD compares: East Asian, 0.0022%; no homozygotes.

Submission:

Labcorp Genetics (formerly Invitae), Labcorp
Classification: Uncertain significance. Last evaluated: 2024-11-25. Review status: criteria provided, single submitter. Criteria: Invitae Variant Classification Sherloc (09022015). Collection method: clinical testing. Allele origin: germline.
Comment: This sequence change replaces proline, which is neutral and non-polar, with alanine, which is neutral and non-polar, at codon 880 of the NEFH protein (p.Pro880Ala). This variant is present in population databases (rs750968972, gnomAD 0.006%). This variant has not been reported in the literature in individuals affected with NEFH-related conditions. Invitae Evidence Modeling of protein sequence and biophysical properties (such as structural, functional, and spatial information, amino acid conservation, physicochemical variation, residue mobility, and thermodynamic stability) indicates that this missense variant is not expected to disrupt NEFH protein function with a negative predictive value of 95%. In summary, the available evidence is currently insufficient to determine the role of this variant in disease. Therefore, it has been classified as a Variant of Uncertain Significance.

NM_021076.4(NEFH):c.2638C>G (p.Pro880Ala)

Gene: NEFH (neurofilament heavy chain; plus strand). Cytogenetic location: 22q12.2.
Variant type: single nucleotide variant.
Coding change: c.2638C>G on transcript NM_021076.4 (MANE Select); coding-DNA position 2638, C replaced by G.
Protein change: p.Pro880Ala; replaces proline 880 with alanine.
Molecular consequence: missense variant.
Genome position (GRCh38, 1-based): chr22:29,490,278, C>G. VCF-style: chr22-29490278-C-G. GRCh37 (hg19) VCF-style: chr22-29886267-C-G.
Other names: short protein forms P880A.
Identifiers: ClinVar variation 3623071 (VCV003623071.2).